The following is an entry in ClinVar:

ClinVar aggregate classification (germline): Pathogenic (1 of 4 stars; one submission).

Submission:

Labcorp Genetics (formerly Invitae), Labcorp
Classification: Pathogenic. Last evaluated: 2022-01-13. Review status: criteria provided, single submitter. Criteria: Invitae Variant Classification Sherloc (09022015). Collection method: clinical testing. Allele origin: germline.
Comment: This variant has not been reported in the literature in individuals affected with USH2A-related conditions. For these reasons, this variant has been classified as Pathogenic. This variant is not present in population databases (gnomAD no frequency). This sequence change creates a premature translational stop signal (p.Ala4531Serfs*31) in the USH2A gene. It is expected to result in an absent or disrupted protein product. Loss-of-function variants in USH2A are known to be pathogenic (PMID: 10729113, 10909849, 20507924, 25649381).

Literature cited by the submitters: PubMed 10729113; PubMed 10909849; PubMed 20507924; PubMed 25649381.

NM_206933.4(USH2A):c.13590dup (p.Ala4531fs)

Gene: USH2A (usherin; minus strand). Cytogenetic location: 1q41.
Variant type: Duplication.
Coding change: c.13590dup on transcript NM_206933.4 (MANE Select); coding-DNA position 13590, one base duplicated (A; older notation c.13590dupA).
Protein change: p.Ala4531fs; shifts the reading frame from alanine 4531.
Molecular consequence: frameshift variant.
Genome position (GRCh38, 1-based): chr1:215,674,321, T duplicated on the plus strand (A on the coding strand, the reverse complement: USH2A is on the minus strand). VCF-style (leftmost placement, unchanged base first): chr1-215674320-C-CT. GRCh37 (hg19) VCF-style: chr1-215847662-C-CT.
Other names: short protein forms A4531fs.
Identifiers: ClinVar variation 1455868 (VCV001455868.6), dbSNP rs2102664921, ClinGen allele CA2573131551.